The following is an entry in ClinVar:

NM_001394062.1(MACF1):c.16363G>A (p.Glu5455Lys)

Gene: MACF1 (microtubule actin crosslinking factor 1; plus strand). Cytogenetic location: 1p34.3.
Variant type: single nucleotide variant.
Coding change: c.16363G>A on transcript NM_001394062.1 (MANE Select); coding-DNA position 16363, G replaced by A.
Protein change: p.Glu5455Lys; replaces glutamic acid 5455 with lysine.
Molecular consequence: missense variant.
Genome position (GRCh38, 1-based): chr1:39,427,501, G>A. VCF-style: chr1-39427501-G-A. GRCh37 (hg19) VCF-style: chr1-39893173-G-A.
Other names: c.4759G>A, p.Glu1587Lys (NM_001397473.1); c.10177G>A, p.Glu3393Lys (NM_012090.5); short protein forms E3393K, E5455K, E1587K.
Identifiers: ClinVar variation 3686953 (VCV003686953.2).

ClinVar aggregate classification (germline): Uncertain significance (1 of 4 stars; one submission).

Submission:

Labcorp Genetics (formerly Invitae), Labcorp
Classification: Uncertain significance. Last evaluated: 2026-01-05. Review status: criteria provided, single submitter. Criteria: Invitae Variant Classification Sherloc (09022015). Collection method: clinical testing. Allele origin: germline.
Comment: This sequence change replaces glutamic acid, which is acidic and polar, with lysine, which is basic and polar, at codon 3393 of the MACF1 protein (p.Glu3393Lys). This variant is not present in population databases (gnomAD no frequency). This variant has not been reported in the literature in individuals affected with MACF1-related conditions. ClinVar contains an entry for this variant (Variation ID: 3686953). An algorithm developed to predict the effect of missense changes on protein structure and function (PolyPhen-2) suggests that this variant is likely to be disruptive. In summary, the available evidence is currently insufficient to determine the role of this variant in disease. Therefore, it has been classified as a Variant of Uncertain Significance.